The following is an entry in ClinVar:

NM_001793.6(CDH3):c.2281-90A>G

Gene: CDH3 (cadherin 3; plus strand). Cytogenetic location: 16q22.1.
Variant type: single nucleotide variant.
Coding change: c.2281-90A>G on transcript NM_001793.6 (MANE Select); 90 bases into the intron before coding-DNA position 2281, A replaced by G.
Molecular consequence: intron variant. On other transcripts: synonymous variant (1).
Genome position (GRCh38, 1-based): chr16:68,698,101, A>G. VCF-style: chr16-68698101-A-G. GRCh37 (hg19) VCF-style: chr16-68732004-A-G.
Other names: c.2289A>G, p.Gly763= (NM_001317195.3); c.2116-90A>G (NM_001317196.2).
Identifiers: ClinVar variation 3047743 (VCV003047743.3), dbSNP rs1037311544, ClinGen allele CA283291154.

ClinVar aggregate classification (germline): Likely benign. Review status: criteria provided, single submitter (1 of 4 stars). 2 submissions from 2 submitters: Likely benign (1). 1 of the submissions does not count toward it. Last evaluated 2024-11-25.

Conditions:
CDH3-related disorder. Also called: CDH3-related condition.

Allele frequency attached by ClinVar (database versions not stated): gnomAD exomes 0.00002.
gnomAD v4.1: 26 of 1,135,904 alleles (0.0023%); highest among the groups gnomAD compares: South Asian, 0.011%; 1 homozygote.

Submissions (2):

Blueprint Genetics
Classification: Likely benign. Last evaluated: 2024-11-25. Review status: criteria provided, single submitter. Criteria: ACMG Guidelines, 2015. Collection method: clinical testing. Allele origin: germline.

PreventionGenetics, part of Exact Sciences
Classification: Likely benign for CDH3-related condition. Last evaluated: 2019-02-22. Review status: no assertion criteria provided. Collection method: clinical testing. Allele origin: germline. Not counted in ClinVar's aggregate classification.
Comment: This variant is classified as likely benign based on ACMG/AMP sequence variant interpretation guidelines (Richards et al. 2015 PMID: 25741868, with internal and published modifications).